The following is an entry in ClinVar:

ClinVar aggregate classification (germline): Uncertain significance (1 of 4 stars; one submission).

Conditions:
Inborn genetic diseases. Identifiers: MedGen C0950123, MeSH D030342.

Submission:

Ambry Genetics
Classification: Uncertain significance for Inborn genetic diseases. Last evaluated: 2025-11-02. Review status: criteria provided, single submitter. Criteria: Ambry Variant Classification Scheme 2023. Collection method: clinical testing. Allele origin: germline.
Comment: The p.T434S variant (also known as c.1300A>T), located in coding exon 15 of the RTEL1 gene, results from an A to T substitution at nucleotide position 1300. The threonine at codon 434 is replaced by serine, an amino acid with similar properties. This amino acid position is conserved. In addition, this alteration is predicted to be tolerated by in silico analysis. Based on the available evidence, the clinical significance of this variant remains unclear.

NM_001283009.2(RTEL1):c.1300A>T (p.Thr434Ser)

Genes: RTEL1 (regulator of telomere elongation helicase 1; plus strand), RTEL1-TNFRSF6B (RTEL1-TNFRSF6B readthrough (NMD candidate); plus strand). Cytogenetic location: 20q13.33.
Variant type: single nucleotide variant.
Coding change: c.1300A>T on transcript NM_001283009.2 (MANE Select); coding-DNA position 1300, A replaced by T.
Protein change: p.Thr434Ser; replaces threonine 434 with serine.
Molecular consequence: missense variant. On other transcripts: non-coding transcript variant (1).
Genome position (GRCh38, 1-based): chr20:63,685,824, A>T. VCF-style: chr20-63685824-A-T. GRCh37 (hg19) VCF-style: chr20-62317177-A-T.
Other names: c.631A>T, p.Thr211Ser (NM_001283010.1); c.1300A>T, p.Thr434Ser (NM_016434.4); c.1372A>T, p.Thr458Ser (NM_032957.5); short protein forms T211S, T458S, T434S.
Identifiers: ClinVar variation 4629584 (VCV004629584.1).